The following is an entry in ClinVar:

ClinVar aggregate classification (germline): Uncertain significance. Review status: criteria provided, multiple submitters, no conflicts (2 of 4 stars). 3 submissions from 3 submitters: Uncertain significance (3). Last evaluated 2025-06-25.

Conditions:
Hereditary cancer-predisposing syndrome. Also called: Hereditary neoplastic syndrome; Neoplastic Syndromes, Hereditary; Hereditary Cancer Syndrome; Tumor predisposition. Identifiers: Orphanet 140162, MedGen C0027672, MeSH D009386, MONDO:0015356.
Familial cancer of breast. Also called: BREAST CANCER, FAMILIAL; Hereditary breast cancer; hereditary breast carcinoma. Identifiers: Orphanet 227535, MedGen C0346153, MONDO:0016419, OMIM 114480. Disease mechanism: loss of function.

Submissions (3):

Ambry Genetics
Classification: Uncertain significance for Hereditary cancer-predisposing syndrome. Last evaluated: 2025-06-25. Review status: criteria provided, single submitter. Criteria: Ambry Variant Classification Scheme 2023. Collection method: clinical testing. Allele origin: germline.
Comment: The p.M145V variant (also known as c.433A>G), located in coding exon 4 of the BARD1 gene, results from an A to G substitution at nucleotide position 433. The methionine at codon 145 is replaced by valine, an amino acid with highly similar properties. This amino acid position is highly conserved in available vertebrate species. In addition, this alteration is predicted to be deleterious by in silico analysis. Based on the available evidence, the clinical significance of this variant remains unclear.

Labcorp Genetics (formerly Invitae), Labcorp
Classification: Uncertain significance for Familial cancer of breast. Last evaluated: 2025-04-07. Review status: criteria provided, single submitter. Criteria: Invitae Variant Classification Sherloc (09022015). Collection method: clinical testing. Allele origin: germline.
Comment: This sequence change replaces methionine, which is neutral and non-polar, with valine, which is neutral and non-polar, at codon 145 of the BARD1 protein (p.Met145Val). This variant is not present in population databases (gnomAD no frequency). This variant has not been reported in the literature in individuals affected with BARD1-related conditions. ClinVar contains an entry for this variant (Variation ID: 530161). An algorithm developed to predict the effect of missense changes on protein structure and function (PolyPhen-2) suggests that this variant is likely to be disruptive. In summary, the available evidence is currently insufficient to determine the role of this variant in disease. Therefore, it has been classified as a Variant of Uncertain Significance.

Color Diagnostics, LLC DBA Color Health
Classification: Uncertain significance for Hereditary cancer-predisposing syndrome. Last evaluated: 2023-12-04. Review status: criteria provided, single submitter. Criteria: ACMG Guidelines, 2015. Collection method: clinical testing. Allele origin: germline.
Comment: This missense variant replaces methionine with valine at codon 145 of the BARD1 protein. Computational prediction suggests that this variant may not impact protein structure and function (internally defined REVEL score threshold <= 0.5, PMID: 27666373). To our knowledge, functional studies have not been reported for this variant. This variant has not been reported in individuals affected with BARD1-related disorders in the literature. This variant has not been identified in the general population by the Genome Aggregation Database (gnomAD). The available evidence is insufficient to determine the role of this variant in disease conclusively. Therefore, this variant is classified as a Variant of Uncertain Significance.

NM_000465.4(BARD1):c.433A>G (p.Met145Val)

Gene: BARD1 (BRCA1 associated RING domain 1; minus strand). Cytogenetic location: 2q35.
Variant type: single nucleotide variant.
Coding change: c.433A>G on transcript NM_000465.4 (MANE Select); coding-DNA position 433, A replaced by G.
Protein change: p.Met145Val; replaces methionine 145 with valine.
Molecular consequence: missense variant. On other transcripts: non-coding transcript variant (2), intron variant (3).
Genome position (GRCh38, 1-based): chr2:214,781,441, T>C on the plus strand (A>G on the coding strand, the complement: BARD1 is on the minus strand). VCF-style: chr2-214781441-T-C. GRCh37 (hg19) VCF-style: chr2-215646165-T-C.
Other names: c.376A>G, p.Met126Val (NM_001282543.2); c.158+27971A>G (NM_001282548.2); c.215+15620A>G (NM_001282545.2); c.364+10856A>G (NM_001282549.2); c.433A>G (NM_000465.2); short protein forms M145V, M126V.
Identifiers: ClinVar variation 530161 (VCV000530161.18), dbSNP rs1553622685, ClinGen allele CA350457815.